The following is an entry in ClinVar:

ClinVar aggregate classification (germline): Pathogenic. Review status: criteria provided, multiple submitters, no conflicts (2 of 4 stars). 2 submissions from 2 submitters: Pathogenic (2). Last evaluated 2025-01-08.

Conditions:
X-linked myopathy with postural muscle atrophy. Also called: FHL1-Related Emery-Dreifuss Muscular Dystrophy, X-Linked. Identifiers: Orphanet 178461, MedGen C2678055, MONDO:0010401, OMIM 300696.

Submissions (2):

Molecular Genetics Laboratory, Motol Hospital
Classification: Pathogenic for X-linked myopathy with postural muscle atrophy. Last evaluated: 2025-01-08. Review status: criteria provided, single submitter. Criteria: ACMG Guidelines, 2015. Collection method: clinical testing. Allele origin: germline. Affected: yes. Observed: 1 variant allele.
Comment: null (truncating) variant in a gene where loss of function is a known mechanism of disease (PVS1), variant not present in gnomAD general population (v4.1.0) (PM2), reported as pathogenic (ClinVar Variation ID: 2813074) without independent laboratory evaluation (PP5); ACMG PVS1, PM2, PP5

Labcorp Genetics (formerly Invitae), Labcorp
Classification: Pathogenic for X-linked myopathy with postural muscle atrophy. Last evaluated: 2022-11-09. Review status: criteria provided, single submitter. Criteria: Invitae Variant Classification Sherloc (09022015). Collection method: clinical testing. Allele origin: germline.
Comment: This sequence change creates a premature translational stop signal (p.Tyr208*) in the FHL1 gene. It is expected to result in an absent or disrupted protein product. Loss-of-function variants in FHL1 are known to be pathogenic (PMID: 18179888, 19687455, 19716112, 22523091, 24114807). This variant is not present in population databases (gnomAD no frequency). This variant has not been reported in the literature in individuals affected with FHL1-related conditions. For these reasons, this variant has been classified as Pathogenic.

Literature cited by the submitters: PubMed 18179888 (cited by Labcorp Genetics (formerly Invitae), Labcorp); PubMed 19687455 (cited by Labcorp Genetics (formerly Invitae), Labcorp); PubMed 19716112 (cited by Labcorp Genetics (formerly Invitae), Labcorp); PubMed 22523091 (cited by Labcorp Genetics (formerly Invitae), Labcorp); PubMed 24114807 (cited by Labcorp Genetics (formerly Invitae), Labcorp).

NM_001159699.2(FHL1):c.671dup (p.Tyr224Ter)

Gene: FHL1 (four and a half LIM domains 1; plus strand). Cytogenetic location: Xq26.3.
Variant type: Duplication.
Coding change: c.671dup on transcript NM_001159699.2 (MANE Select); coding-DNA position 671, one base duplicated (A; older notation c.671dupA).
Protein change: p.Tyr224Ter; replaces tyrosine 224 with a stop codon.
Molecular consequence: nonsense. On other transcripts: non-coding transcript variant (1), intron variant (2).
Genome position (GRCh38, 1-based): chrX:136,208,576, A duplicated. VCF-style (leftmost placement, unchanged base first): chrX-136208575-T-TA. GRCh37 (hg19) VCF-style: chrX-135290734-T-TA.
Other names: c.623dup, p.Tyr208Ter (NM_001159700.2, NM_001159702.3, NM_001159704.1 and 8 more transcripts); c.710dup, p.Tyr237Ter (NM_001159701.2); c.501+615dup (NM_001159703.2); c.549+615dup (NM_001330659.2); c.623dup (NM_001449.4); short protein forms Y237*, Y208*, Y224*.
Identifiers: ClinVar variation 2813074 (VCV002813074.5), dbSNP rs2521303090, ClinGen allele CA2739273773.
Genomic context (GRCh38, chrX:136,208,575, plus strand): 5'-TGTGTTACCTGCTCTAAGAAGCTGGCTGGGCAGCGTTTCACCGCTGTGGAGGACCAGTAT[T>TA]ACTGCGTGGATTGCTACAAGAACTTTGTGGCCAAGAAGTGTGCTGGATGCAAGAACCCCA-3'